The following is an entry in ClinVar:

NM_015047.3(EMC1):c.2700A>T (p.Pro900=)

Genes: EMC1 (ER membrane protein complex subunit 1; minus strand), EMC1-AS1 (EMC1 antisense RNA 1; plus strand). Cytogenetic location: 1p36.13.
Variant type: single nucleotide variant.
Coding change: c.2700A>T on transcript NM_015047.3 (MANE Select); coding-DNA position 2700, A replaced by T.
Protein change: p.Pro900=; no amino-acid change (proline 900 retained).
Molecular consequence: synonymous variant.
Genome position (GRCh38, 1-based): chr1:19,219,671, T>A on the plus strand (A>T on the coding strand, the complement: EMC1 is on the minus strand). VCF-style: chr1-19219671-T-A. GRCh37 (hg19) VCF-style: chr1-19546165-T-A.
Other names: c.2697A>T, p.Pro899= (NM_001271427.2, NM_001271428.2); c.2634A>T, p.Pro878= (NM_001271429.2); c.2709A>T, p.Pro903= (NM_001375820.1); c.2706A>T, p.Pro902= (NM_001375821.1).
Identifiers: ClinVar variation 2976934 (VCV002976934.3), dbSNP rs140520413, ClinGen allele CA652170.

ClinVar aggregate classification (germline): Uncertain significance (1 of 4 stars; one submission).

Allele frequency attached by ClinVar (database versions not stated): gnomAD exomes below 0.00001; ExAC 0.00001; gnomAD 0.00001; TOPMed 0.00002; ESP Exome Variant Server 0.00008.
gnomAD v4.1: 3 of 1,613,988 alleles (0.00019%); highest among the groups gnomAD compares: African/African-American, 0.004%; no homozygotes.

Submission:

Labcorp Genetics (formerly Invitae), Labcorp
Classification: Uncertain significance. Last evaluated: 2023-10-09. Review status: criteria provided, single submitter. Criteria: Invitae Variant Classification Sherloc (09022015). Collection method: clinical testing. Allele origin: germline.
Comment: This sequence change affects codon 900 of the EMC1 mRNA. It is a 'silent' change, meaning that it does not change the encoded amino acid sequence of the EMC1 protein. This variant is present in population databases (rs140520413, gnomAD 0.008%). This variant has not been reported in the literature in individuals affected with EMC1-related conditions. Algorithms developed to predict the effect of sequence changes on RNA splicing suggest that this variant may disrupt the consensus splice site. In summary, the available evidence is currently insufficient to determine the role of this variant in disease. Therefore, it has been classified as a Variant of Uncertain Significance.